The following is an entry in ClinVar:

ClinVar aggregate classification (germline): Pathogenic. Review status: criteria provided, multiple submitters, no conflicts (2 of 4 stars). 4 submissions from 4 submitters: Pathogenic (3). 1 of the submissions does not count toward it. Last evaluated 2024-11-05.

Conditions:
EYS-related disorder. Also called: EYS-related condition.
Retinitis pigmentosa (RP). Identifiers: Orphanet 791, MedGen C0035334, MeSH D012174, MONDO:0019200, OMIM 268000. Inheritance: Autosomal dominant, autosomal recessive and X linked inheritance.
Retinitis pigmentosa 25 (RP25). Identifiers: Orphanet 791, MedGen C1864446, MONDO:0011272, OMIM 602772.

Submissions (4):

Labcorp Genetics (formerly Invitae), Labcorp
Classification: Pathogenic. Last evaluated: 2024-11-05. Review status: criteria provided, single submitter. Criteria: Invitae Variant Classification Sherloc (09022015). Collection method: clinical testing. Allele origin: germline.
Comment: This sequence change creates a premature translational stop signal (p.Cys78Alafs*7) in the EYS gene. It is expected to result in an absent or disrupted protein product. Loss-of-function variants in EYS are known to be pathogenic (PMID: 18836446, 20333770). This variant is present in population databases (no rsID available, gnomAD 0.002%). This premature translational stop signal has been observed in individuals with retinitis pigmentosa (PMID: 30718709). ClinVar contains an entry for this variant (Variation ID: 636025). For these reasons, this variant has been classified as Pathogenic.

Baylor Genetics
Classification: Pathogenic for Retinitis pigmentosa 25. Last evaluated: 2023-05-01. Review status: criteria provided, single submitter. Criteria: ACMG Guidelines, 2015. Collection method: clinical testing. Allele origin: unknown.

Blueprint Genetics
Classification: Pathogenic for EYS-related disorders. Last evaluated: 2018-05-24. Review status: criteria provided, single submitter. Criteria: ACMG Guidelines, 2015. Collection method: clinical testing. Allele origin: germline. Affected: yes. Observed: 3 variant alleles.

Department of Clinical Genetics, Copenhagen University Hospital, Rigshospitalet
Classification: Pathogenic for Retinitis pigmentosa. Last evaluated: 2018-04-01. Review status: no assertion criteria provided. Collection method: research. Allele origin: unknown. Affected: yes. Study: VeluxRD. Not counted in ClinVar's aggregate classification.

Literature cited by the submitters: PubMed 18836446 (cited by Labcorp Genetics (formerly Invitae), Labcorp); PubMed 20333770 (cited by Labcorp Genetics (formerly Invitae), Labcorp); PubMed 30718709 (cited by Labcorp Genetics (formerly Invitae), Labcorp and Department of Clinical Genetics, Copenhagen University Hospital, Rigshospitalet).

NM_001142800.2(EYS):c.232del (p.Cys78fs)

Gene: EYS (EGF-like photoreceptor maintenance factor; minus strand). Cytogenetic location: 6q12.
Variant type: Deletion.
Coding change: c.232del on transcript NM_001142800.2 (MANE Select); coding-DNA position 232, one base deleted (T; older notation c.232delT).
Protein change: p.Cys78fs; shifts the reading frame from cysteine 78.
Molecular consequence: frameshift variant.
Genome position (GRCh38, 1-based): chr6:65,495,179, A deleted on the plus strand (T on the coding strand, the reverse complement: EYS is on the minus strand); the first of 3 consecutive A bases (chr6:65,495,179-65,495,181); deleting any one gives the same sequence. VCF-style (leftmost placement, unchanged base first): chr6-65495178-CA-C. GRCh37 (hg19) VCF-style: chr6-66205071-CA-C.
Other names: c.232del, p.Cys78fs (NM_001142801.2, NM_001292009.2, NM_198283.2); short protein forms C78fs.
Identifiers: ClinVar variation 636025 (VCV000636025.11), dbSNP rs1468020897, ClinGen allele CA568119289.